The following is an entry in ClinVar:

ClinVar aggregate classification (germline): Likely pathogenic (1 of 4 stars; one submission).

Conditions:
Short-rib thoracic dysplasia 13 with or without polydactyly (SRTD13). Identifiers: Orphanet 474, MedGen C4225378, MONDO:0014577, OMIM 616300.

Allele frequency attached by ClinVar (database versions not stated): TOPMed below 0.00001; gnomAD 0.00001.
gnomAD v4.1: 2 of 1,597,912 alleles (0.00013%); highest among the groups gnomAD compares: African/African-American, 0.0013%; no homozygotes.

Submission:

Labcorp Genetics (formerly Invitae), Labcorp
Classification: Likely pathogenic for Short-rib thoracic dysplasia 13 with or without polydactyly. Last evaluated: 2023-12-19. Review status: criteria provided, single submitter. Criteria: Invitae Variant Classification Sherloc (09022015). Collection method: clinical testing. Allele origin: germline.
Comment: This sequence change affects a donor splice site in intron 4 of the CEP120 gene. It is expected to disrupt RNA splicing. Variants that disrupt the donor or acceptor splice site typically lead to a loss of protein function (PMID: 16199547), and loss-of-function variants in CEP120 are known to be pathogenic (PMID: 25251415, 27208211). This variant is present in population databases (no rsID available, gnomAD 0.01%). This variant has not been reported in the literature in individuals affected with CEP120-related conditions. Algorithms developed to predict the effect of sequence changes on RNA splicing suggest that this variant may disrupt the consensus splice site. In summary, the currently available evidence indicates that the variant is pathogenic, but additional data are needed to prove that conclusively. Therefore, this variant has been classified as Likely Pathogenic.

Literature cited by the submitters: PubMed 16199547; PubMed 25251415; PubMed 27208211.

NM_001375405.1(CEP120):c.321+1G>A

Gene: CEP120 (centrosomal protein 120; minus strand). Cytogenetic location: 5q23.2.
Variant type: single nucleotide variant.
Coding change: c.321+1G>A on transcript NM_001375405.1 (MANE Select); the canonical splice donor site of the intron after coding-DNA position 321, G replaced by A.
Molecular consequence: splice donor variant.
Genome position (GRCh38, 1-based): chr5:123,416,009, C>T on the plus strand (G>A on the coding strand, the complement: CEP120 is on the minus strand). VCF-style: chr5-123416009-C-T. GRCh37 (hg19) VCF-style: chr5-122751703-C-T.
Other names: c.243+1G>A (NM_001166226.2); c.321+1G>A (NM_153223.4, NM_001375406.1, NM_001375407.1); c.-428+1G>A (NM_001375408.1); c.-370+1G>A (NM_001375409.1).
Identifiers: ClinVar variation 2904858 (VCV002904858.3), dbSNP rs1298746018, ClinGen allele CA360896181.